The following is an entry in ClinVar:

NM_002471.4(MYH6):c.3573C>T (p.Ala1191=)

Gene: MYH6 (myosin heavy chain 6; minus strand). Cytogenetic location: 14q11.2.
Variant type: single nucleotide variant.
Coding change: c.3573C>T on transcript NM_002471.4 (MANE Select); coding-DNA position 3573, C replaced by T.
Protein change: p.Ala1191=; no amino-acid change (alanine 1191 retained).
Molecular consequence: synonymous variant.
Genome position (GRCh38, 1-based): chr14:23,390,216, G>A on the plus strand (C>T on the coding strand, the complement: MYH6 is on the minus strand). VCF-style: chr14-23390216-G-A. GRCh37 (hg19) VCF-style: chr14-23859425-G-A.
Identifiers: ClinVar variation 180116 (VCV000180116.65), dbSNP rs727505358, ClinGen allele CA185846.
Genomic context (GRCh38, chr14:23,390,216, plus strand): 5'-GTTGTCGATCTGCTCGCCCAGCTCGGCCACGCTGTCGGCGTGCTTCTTGCGCAGGGCCGC[G>A]GCAGTGGCCTCGTGCTGCAGCGTGGCCTCCTCCAGGTCCCGCCGCATCTTCTGGAACTCG-3'
Protein context (NP_002462.2, residues 1181-1201): EEATLQHEAT[Ala1191=]AALRKKHADS

ClinVar aggregate classification (germline): Benign/Likely benign. Review status: criteria provided, multiple submitters, no conflicts (2 of 4 stars). 14 submissions from 14 submitters: Benign (4); Likely benign (7). 3 of the submissions do not count toward it. Last evaluated 2026-04-01.

Conditions:
Cardiovascular phenotype. Identifiers: MedGen CN230736.
Cardiomyopathy (CMYO). Also called: Cardiomyopathies. Identifiers: Orphanet 167848, MedGen C0878544, MONDO:0004994, HP:0001638. Inheritance: Various modes of inheritance.
Hypertrophic cardiomyopathy 14. Identifiers: MedGen C2750467, MONDO:0013197, OMIM 613251.

Allele frequency attached by ClinVar (database versions not stated): TOPMed 0.00047; gnomAD 0.00054 and 0.00056; gnomAD exomes 0.00055 and 0.00063; ExAC 0.00081.
gnomAD v4.1: 897 of 1,596,748 alleles (0.056%); highest among the groups gnomAD compares: Middle Eastern, 0.68%; 5 homozygotes.

Submissions (14):

CeGaT Center for Human Genetics Tuebingen
Classification: Likely benign. Last evaluated: 2026-04-01. Review status: criteria provided, single submitter. Criteria: CeGaT Center For Human Genetics Tuebingen Variant Classification Criteria Version 2. Collection method: clinical testing. Allele origin: germline. Affected: yes. Observed: 5 variant alleles.
Comment: MYH6: BP4, BP7

Labcorp Genetics (formerly Invitae), Labcorp
Classification: Benign for Hypertrophic cardiomyopathy 14. Last evaluated: 2025-12-29. Review status: criteria provided, single submitter. Criteria: Invitae Variant Classification Sherloc (09022015). Collection method: clinical testing. Allele origin: germline.

ARUP Laboratories, Molecular Genetics and Genomics, ARUP Laboratories
Classification: Likely benign. Last evaluated: 2025-07-23. Review status: criteria provided, single submitter. Criteria: ARUP Molecular Germline Variant Investigation Process 2024. Collection method: clinical testing. Allele origin: germline.

Laboratory of Genetics, Children's Clinical University Hospital Latvia
Classification: Benign. Last evaluated: 2025-02-16. Review status: criteria provided, single submitter. Criteria: ACMG Guidelines, 2015. Collection method: clinical testing. Allele origin: germline. Affected: yes.

Blueprint Genetics
Classification: Likely benign. Last evaluated: 2024-10-08. Review status: criteria provided, single submitter. Criteria: ACMG Guidelines, 2015. Collection method: clinical testing. Allele origin: germline.

Women's Health and Genetics/Laboratory Corporation of America, LabCorp
Classification: Benign. Last evaluated: 2024-03-11. Review status: criteria provided, single submitter. Criteria: LabCorp Variant Classification Summary - May 2015. Collection method: clinical testing. Allele origin: germline.

CHEO Genetics Diagnostic Laboratory, Children's Hospital of Eastern Ontario
Classification: Benign for Cardiomyopathy. Last evaluated: 2017-10-23. Review status: criteria provided, single submitter. Criteria: ACMG Guidelines, 2015. Collection method: clinical testing. Allele origin: germline. Study: Canadian Open Genetics Repository.

GeneDx
Classification: Likely benign. Last evaluated: 2017-06-28. Review status: criteria provided, single submitter. Criteria: GeneDx Variant Classification (06012015). Collection method: clinical testing. Allele origin: germline. Affected: yes.
Comment: This variant is considered likely benign or benign based on one or more of the following criteria: it is a conservative change, it occurs at a poorly conserved position in the protein, it is predicted to be benign by multiple in silico algorithms, and/or has population frequency not consistent with disease.

Ambry Genetics
Classification: Likely benign for Cardiovascular phenotype. Last evaluated: 2015-11-04. Review status: criteria provided, single submitter. Criteria: Ambry Variant Classification Scheme 2023. Collection method: clinical testing. Allele origin: germline.

Laboratory for Molecular Medicine, Mass General Brigham Personalized Medicine
Classification: Likely benign. Last evaluated: 2014-12-11. Review status: criteria provided, single submitter. Criteria: LMM Criteria. Collection method: clinical testing. Allele origin: germline. Observed: 1 variant allele.
Comment: p.Ala1191Ala in exon 26 of MYH6: This variant is not expected to have clinical s ignificance because it does not alter an amino acid residue and is not located w ithin the splice consensus sequence. It has been identified in 0.1% (53/49738) o f European chromosomes by the Exome Aggregation Consortium (ExAC).

Breakthrough Genomics
Classification: Likely benign. Review status: criteria provided, single submitter. Criteria: ACMG Guidelines, 2015. Collection method: not provided. Allele origin: germline. Inheritance: Autosomal dominant inheritance. Affected: yes.

Clinical Genetics DNA and cytogenetics Diagnostics Lab, Erasmus MC, Erasmus Medical Center
Classification: Likely benign. Review status: no assertion criteria provided. Collection method: clinical testing. Allele origin: germline. Affected: yes. Study: VKGL Data-share Consensus. Not counted in ClinVar's aggregate classification.

Clinical Genetics, Academic Medical Center
Classification: Benign. Review status: no assertion criteria provided. Collection method: clinical testing. Allele origin: germline. Affected: yes. Study: VKGL Data-share Consensus. Not counted in ClinVar's aggregate classification.

Genome Diagnostics Laboratory, University Medical Center Utrecht
Classification: Likely benign. Review status: no assertion criteria provided. Collection method: clinical testing. Allele origin: germline. Affected: yes. Study: VKGL Data-share Consensus. Not counted in ClinVar's aggregate classification.